The following is an entry in ClinVar:

NM_000104.4(CYP1B1):c.1195A>G (p.Ile399Val)

Gene: CYP1B1 (cytochrome P450 family 1 subfamily B member 1; minus strand). Cytogenetic location: 2p22.2.
Variant type: single nucleotide variant.
Coding change: c.1195A>G on transcript NM_000104.4 (MANE Select); coding-DNA position 1195, A replaced by G.
Protein change: p.Ile399Val; replaces isoleucine 399 with valine.
Molecular consequence: missense variant.
Genome position (GRCh38, 1-based): chr2:38,071,159, T>C on the plus strand (A>G on the coding strand, the complement: CYP1B1 is on the minus strand). VCF-style: chr2-38071159-T-C. GRCh37 (hg19) VCF-style: chr2-38298302-T-C.
Other names: short protein forms I399V.
Identifiers: ClinVar variation 3340036 (VCV003340036.1).
Genomic context (GRCh38, chr2:38,071,159, plus strand): 5'-CAGTGTCCTTGGGAATGTGGTAGCCCAAGACAGAGGTGTTGGCAGTGGTGGCATGAGGAA[T>C]AGTGACAGGCACAAAGCTGGAGAAGCGCATGGCTTCATAAAGGAAGGCCAGGACATAGGG-3'
Protein context (NP_000095.2, residues 389-409): MRFSSFVPVT[Ile399Val]PHATTANTSV

ClinVar aggregate classification (germline): Uncertain significance (1 of 4 stars; one submission).

gnomAD v4.1: 4 of 1,613,534 alleles (0.00025%); highest among the groups gnomAD compares: Middle Eastern, 0.016%; no homozygotes.

Submission:

Women's Health and Genetics/Laboratory Corporation of America, LabCorp
Classification: Uncertain significance. Last evaluated: 2024-06-17. Review status: criteria provided, single submitter. Criteria: LabCorp Variant Classification Summary - May 2015. Collection method: clinical testing. Allele origin: germline.
Comment: Variant summary: CYP1B1 c.1195A>G (p.Ile399Val) results in a conservative amino acid change in the encoded protein sequence. Three of five in-silico tools predict a damaging effect of the variant on protein function. The variant allele was found at a frequency of 1.2e-05 in 251118 control chromosomes. This variant was also observed in the homozygous state in 1 control individual (example, Chitsazian_2007). The available data on variant occurrences in the general population are insufficient to allow any conclusion about variant significance. To our knowledge, no occurrence of c.1195A>G in individuals affected with Primary Congenital Glaucoma and no experimental evidence demonstrating its impact on protein function have been reported. The following publication has been ascertained in the context of this evaluation (PMID: 17591938). No submitters have cited clinical-significance assessments for this variant to ClinVar. Based on the evidence outlined above, the variant was classified as uncertain significance.

Literature cited by the submitters: PubMed 17591938.